The following is an entry in ClinVar:

ClinVar aggregate classification (germline): Benign (0 of 4 stars; one submission).

Conditions:
KIAA0319-related disorder. Also called: KIAA0319-related condition.

Allele frequency attached by ClinVar (database versions not stated): 1000 Genomes Project 30x 0.20019; 1000 Genomes Project 0.20587; TOPMed 0.26329; gnomAD 0.29549.
gnomAD v4.1: 604,952 of 1,612,676 alleles (38%); highest among the groups gnomAD compares: Non-Finnish European, 41%; 121,819 homozygotes.

Submission:

PreventionGenetics, part of Exact Sciences
Classification: Benign for KIAA0319-related condition. Last evaluated: 2019-10-21. Review status: no assertion criteria provided. Collection method: clinical testing. Allele origin: germline.
Comment: This variant is classified as benign based on ACMG/AMP sequence variant interpretation guidelines (Richards et al. 2015 PMID: 25741868, with internal and published modifications).

NM_014809.4(KIAA0319):c.931G>A (p.Ala311Thr)

Gene: KIAA0319 (KIAA0319; minus strand). Cytogenetic location: 6p22.3.
Variant type: single nucleotide variant.
Coding change: c.931G>A on transcript NM_014809.4 (MANE Select); coding-DNA position 931, G replaced by A.
Protein change: p.Ala311Thr; replaces alanine 311 with threonine.
Molecular consequence: missense variant.
Genome position (GRCh38, 1-based): chr6:24,588,656, C>T on the plus strand (G>A on the coding strand, the complement: KIAA0319 is on the minus strand). VCF-style: chr6-24588656-C-T. GRCh37 (hg19) VCF-style: chr6-24588884-C-T.
Other names: c.904G>A, p.Ala302Thr (NM_001168374.2); c.931G>A, p.Ala311Thr (NM_001168375.2, NM_001168377.2, NM_001350403.2 and 3 more transcripts); c.796G>A, p.Ala266Thr (NM_001168376.2, NM_001350406.2); c.913G>A, p.Ala305Thr (NM_001350404.2); c.475G>A, p.Ala159Thr (NM_001350409.2, NM_001350410.2); short protein forms A159T, A266T, A302T, A305T, A311T.
Identifiers: ClinVar variation 3056331 (VCV003056331.2), dbSNP rs4504469, ClinGen allele CA3657718.
Genomic context (GRCh38, chr6:24,588,656, plus strand): 5'-TCCTGGGAGCAGTGGTAGGAGATATGGGTAGCTCAGATGGGGTGGACTCAGAGGGGGCTG[C>T]GCTAGTGGGAGGTGTTGGGATGCTGTGCTCTGTACTCCCCGGGGTGACTGTGAGCACTGG-3'
Protein context (NP_055624.2, residues 301-321): EHSIPTPPTS[Ala311Thr]APSESTPSEL